The following is an entry in ClinVar:

ClinVar aggregate classification (germline): Conflicting classifications of pathogenicity. Review status: criteria provided, conflicting classifications (1 of 4 stars). 4 submissions from 4 submitters: Uncertain significance (1); Benign (1); Likely benign (1). 1 of the submissions does not count toward it. Last evaluated 2026-01-27.

Conditions:
SI-related disorder. Also called: SI-related condition.
Sucrase-isomaltase deficiency (CSID). Also called: SI DEFICIENCY; Congenital sucrose isomaltose malabsorption; Sucrose isomaltose enzyme deficiency; Deficiency of isomaltase. Identifiers: Orphanet 35122, MedGen C1283620, MONDO:0009114, OMIM 222900.

Allele frequency attached by ClinVar (database versions not stated): ExAC 0.00076; gnomAD 0.00231 and 0.00247; ESP Exome Variant Server 0.00238; 1000 Genomes Project 30x 0.00250; TOPMed 0.00278; 1000 Genomes Project 0.00280.
gnomAD v4.1: 695 of 1,608,754 alleles (0.043%); highest among the groups gnomAD compares: African/African-American, 0.74%; 1 homozygote.

Submissions (4):

Labcorp Genetics (formerly Invitae), Labcorp
Classification: Benign. Last evaluated: 2026-01-27. Review status: criteria provided, single submitter. Criteria: Invitae Variant Classification Sherloc (09022015). Collection method: clinical testing. Allele origin: germline.

Blueprint Genetics
Classification: Likely benign. Last evaluated: 2023-10-26. Review status: criteria provided, single submitter. Criteria: ACMG Guidelines, 2015. Collection method: clinical testing. Allele origin: germline.

Illumina Laboratory Services, Illumina
Classification: Uncertain significance for Sucrase-isomaltase deficiency. Last evaluated: 2018-01-13. Review status: criteria provided, single submitter. Criteria: ICSL Variant Classification Criteria 13 December 2019. Collection method: clinical testing. Allele origin: germline.

PreventionGenetics, part of Exact Sciences
Classification: Likely benign for SI-related condition. Last evaluated: 2022-04-18. Review status: no assertion criteria provided. Collection method: clinical testing. Allele origin: germline. Not counted in ClinVar's aggregate classification.
Comment: This variant is classified as likely benign based on ACMG/AMP sequence variant interpretation guidelines (Richards et al. 2015 PMID: 25741868, with internal and published modifications).

NM_001041.4(SI):c.2678C>T (p.Ala893Val)

Gene: SI (sucrase-isomaltase; minus strand). Cytogenetic location: 3q26.1.
Variant type: single nucleotide variant.
Coding change: c.2678C>T on transcript NM_001041.4 (MANE Select); coding-DNA position 2678, C replaced by T.
Protein change: p.Ala893Val; replaces alanine 893 with valine.
Molecular consequence: missense variant.
Genome position (GRCh38, 1-based): chr3:165,032,580, G>A on the plus strand (C>T on the coding strand, the complement: SI is on the minus strand). VCF-style: chr3-165032580-G-A. GRCh37 (hg19) VCF-style: chr3-164750368-G-A.
Other names: short protein forms A893V.
Identifiers: ClinVar variation 902314 (VCV000902314.15), dbSNP rs145893756, ClinGen allele CA2690575.